The following is an entry in ClinVar:

NM_024426.6(WT1):c.283G>T (p.Gly95Cys)

Genes: WT1 (WT1 transcription factor; minus strand), LOC107982234 (WT1/WT1-AS bi-directional promoter region; plus strand). Cytogenetic location: 11p13.
Variant type: single nucleotide variant.
Coding change: c.283G>T on transcript NM_024426.6 (MANE Select); coding-DNA position 283, G replaced by T.
Protein change: p.Gly95Cys; replaces glycine 95 with cysteine.
Molecular consequence: missense variant. On other transcripts: non-coding transcript variant (2).
Genome position (GRCh38, 1-based): chr11:32,435,078, C>A on the plus strand (G>T on the coding strand, the complement: WT1 is on the minus strand). VCF-style: chr11-32435078-C-A. GRCh37 (hg19) VCF-style: chr11-32456624-C-A.
Other names: c.283G>T, p.Gly95Cys (NM_000378.6, NM_001407044.1, NM_001407045.1 and 6 more transcripts); c.64G>T, p.Gly22Cys (NM_001429031.1, NM_001429032.1, NM_001429033.1 and 1 more transcripts); short protein forms G95C, G22C, G90C.
Identifiers: ClinVar variation 5032049 (VCV005032049.1).

ClinVar aggregate classification (germline): Uncertain significance (1 of 4 stars; one submission).

Conditions:
Inborn genetic diseases. Identifiers: MedGen C0950123, MeSH D030342.

Submission:

Ambry Genetics
Classification: Uncertain significance for Inborn genetic diseases. Last evaluated: 2026-07-18. Review status: criteria provided, single submitter. Criteria: Ambry Variant Classification Scheme 2023. Collection method: clinical testing. Allele origin: germline.
Comment: The p.G90C variant (also known as c.268G>T), located in coding exon 1 of the WT1 gene, results from a G to T substitution at nucleotide position 268. The glycine at codon 90 is replaced by cysteine, an amino acid with highly dissimilar properties. This amino acid position is conserved. In addition, the in silico prediction for this alteration is inconclusive. Based on the available evidence, the clinical significance of this variant remains unclear.